The following is an entry in ClinVar:

ClinVar aggregate classification (germline): not provided (0 of 4 stars; one submission).

Conditions:
Gestational diabetes mellitus uncontrolled. Identifiers: MedGen C3532257.

Submission:

Institute of Molecular and Cell Biology, University of Tartu
No classification provided. Condition: Gestational diabetes mellitus uncontrolled. Review status: no classification provided. Collection method: case-control. Allele origin: unknown. Affected: yes. Study: Kasak2014.
Comment: The study aimed to determine the contribution of copy number variants in the genetic etiology of normal and complicated pregnancies. The samples represented (i) maternal blood DNA drawn from healthy pregnant women during 1st or 2nd trimester and (ii) maternal and paternal blood DNA drawn at term pregnancy cases representing normal and complicated gestations (severe preeclampsia, PE; gestational diabetes, GD; small-for-gestational age newborn, SGA; large-for-gestational age newborn, LGA). We performed CNV calling based on genome-wide genotyping dataset (Illumina HumanOmniExpress-24-v1 BeadChip) by applying three algorithms, QuantiSNP, GADA (Genome Alteration Detection Algorithm) and CNstream in parallel. The acquired CNV calls were merged with HD-CNV (Hotspot Detector for Copy Number Variants) program and only the CNVs predicted by at least two programs, were considered in subsequent analysis.

Literature cited by the submitters: PubMed 25666259.

Single allele

Genes: LOC111429611 (GATA motif-containing MPRA enhancer 208; plus strand), LOC129390019 (MPRA-validated peak7094 silencer; plus strand). Cytogenetic location: 8q21.3.
Variant type: Deletion.
Identifiers: ClinVar variation 157120 (VCV000157120.2).